The following is an entry in ClinVar:

ClinVar aggregate classification (germline): Conflicting classifications of pathogenicity. Review status: criteria provided, conflicting classifications (1 of 4 stars). 4 submissions from 4 submitters: Uncertain significance (2); Likely benign (1). 1 of the submissions does not count toward it. Last evaluated 2026-03-31.

Conditions:
Cystinuria (CSNU). Also called: CYSTINURIA, TYPE I; CYSTINURIA, TYPE II; CYSTINURIA, TYPE III; Cystinuria, non-type I. Identifiers: Orphanet 214, MedGen C0010691, MONDO:0009067, OMIM 220100, HP:0003131.
Cystinuria type A. Identifiers: Orphanet 93612, MedGen C1857388, MONDO:0019745.

Allele frequency attached by ClinVar (database versions not stated): ExAC 0.00016; ESP Exome Variant Server 0.00062; 1000 Genomes Project 0.00060; TOPMed 0.00054; gnomAD exomes 0.00006 and 0.00016; 1000 Genomes Project 30x 0.00047; gnomAD 0.00050 and 0.00051.
gnomAD v4.1: 171 of 1,614,036 alleles (0.011%); highest among the groups gnomAD compares: African/African-American, 0.19%; 2 homozygotes.

Submissions (4):

GeneDx
Classification: Uncertain significance. Last evaluated: 2026-03-31. Review status: criteria provided, single submitter. Criteria: GeneDx Variant Classification Process June 2021. Collection method: clinical testing. Allele origin: germline.
Comment: In silico analysis suggests that this missense variant does not alter protein structure/function; Has not been previously published as pathogenic or benign to our knowledge

Dasa
Classification: Likely benign for Cystinuria type A. Last evaluated: 2025-11-24. Review status: criteria provided, single submitter. Criteria: DASA Assertion Criteria. Collection method: clinical testing. Allele origin: germline.
Comment: NM_000341.4(SLC3A1):c.1846G>A (p.Ala616Thr) is a missense variant that results in the substitution of alanine with threonine. Population frequency is inconsistent with a disease-causing role for this variant. Therefore, based on the currently available evidence, this variant is classified as likely benign.

Labcorp Genetics (formerly Invitae), Labcorp
Classification: Uncertain significance for Cystinuria. Last evaluated: 2022-05-30. Review status: criteria provided, single submitter. Criteria: Invitae Variant Classification Sherloc (09022015). Collection method: clinical testing. Allele origin: germline.
Comment: This sequence change replaces alanine, which is neutral and non-polar, with threonine, which is neutral and polar, at codon 616 of the SLC3A1 protein (p.Ala616Thr). This variant is present in population databases (rs143740561, gnomAD 0.2%). This variant has not been reported in the literature in individuals affected with SLC3A1-related conditions. ClinVar contains an entry for this variant (Variation ID: 1050380). Algorithms developed to predict the effect of missense changes on protein structure and function output the following: SIFT: "Tolerated"; PolyPhen-2: "Benign"; Align-GVGD: "Class C0". The threonine amino acid residue is found in multiple mammalian species, which suggests that this missense change does not adversely affect protein function. In summary, the available evidence is currently insufficient to determine the role of this variant in disease. Therefore, it has been classified as a Variant of Uncertain Significance.

Department of Pathology and Laboratory Medicine, Sinai Health System
Classification: Uncertain significance. Review status: no assertion criteria provided. Collection method: clinical testing. Allele origin: unknown. Affected: yes. Study: The Canadian Open Genetics Repository (COGR). Not counted in ClinVar's aggregate classification.
Comment: The SLC3A1 p.A616T variant was not identified in the literature nor was it identified in ClinVar. The variant was identified in dbSNP (ID: rs143740561) and in control databases in 57 of 280932 chromosomes at a frequency of 0.0002029, and was observed at the highest frequency in the African population in 51 of 24958 chromosomes (freq: 0.002043) (Genome Aggregation Database March 6, 2019, v2.1.1). The p.A616 residue is not conserved in mammals and computational analyses (MUT Assesor, PolyPhen-2, SIFT, MutationTaster, Revel, FATHMM, MetaLR, DANN) provide inconsistent predictions regarding the impact to the protein; this information is not very predictive of pathogenicity. The variant occurs outside of the splicing consensus sequence and in silico or computational prediction software programs (Splice AI exome) do not predict a difference in splicing. In summary, based on the above information the clinical significance of this variant cannot be determined with certainty at this time. This variant is classified as a variant of uncertain significance.

NM_000341.4(SLC3A1):c.1846G>A (p.Ala616Thr)

Genes: PREPL (prolyl endopeptidase like; minus strand), SLC3A1 (solute carrier family 3 member 1; plus strand). Cytogenetic location: 2p21.
Variant type: single nucleotide variant.
Coding change: c.1846G>A on transcript NM_000341.4 (MANE Select); coding-DNA position 1846, G replaced by A.
Protein change: p.Ala616Thr; replaces alanine 616 with threonine.
Molecular consequence: missense variant. On other transcripts: 3 prime UTR variant (10).
Genome position (GRCh38, 1-based): chr2:44,320,427, G>A. VCF-style: chr2-44320427-G-A. GRCh37 (hg19) VCF-style: chr2-44547566-G-A.
Other names: c.*929C>T (NM_001042385.2, NM_001042386.2, NM_001171603.1 and 7 more transcripts); c.1846G>A (NM_000341.3); short protein forms A616T.
Identifiers: ClinVar variation 1050380 (VCV001050380.9), dbSNP rs143740561, ClinGen allele CA1640776.